The following is an entry in ClinVar:

ClinVar aggregate classification (germline): Uncertain significance (1 of 4 stars; one submission).

Conditions:
Cardiovascular phenotype. Identifiers: MedGen CN230736.
Hereditary cancer-predisposing syndrome. Also called: Tumor predisposition; Hereditary neoplastic syndrome; Neoplastic Syndromes, Hereditary; Hereditary Cancer Syndrome. Identifiers: Orphanet 140162, MedGen C0027672, MeSH D009386, MONDO:0015356.

Submission:

Ambry Genetics
Classification: Uncertain significance for Cardiovascular phenotype; Hereditary cancer-predisposing syndrome. Last evaluated: 2025-03-26. Review status: criteria provided, single submitter. Criteria: Ambry Variant Classification Scheme 2023. Collection method: clinical testing. Allele origin: germline.
Comment: The c.7840_7842delGAT variant (also known as p.D2614del) is located in coding exon 53 of the NF1 gene. This variant results from an in-frame GAT deletion at nucleotide positions 7840 to 7842. This results in the in-frame deletion of an aspartic acid at codon 2614. This amino acid position is highly conserved in available vertebrate species. In addition, this alteration is predicted to be deleterious by in silico analysis (Choi Y et al. PLoS ONE. 2012; 7(10):e46688). Based on the available evidence, the clinical significance of this variant remains unclear.

NM_001042492.3(NF1):c.7903_7905del (p.Asp2635del)

Gene: NF1 (neurofibromin 1; plus strand). Cytogenetic location: 17q11.2.
Variant type: Deletion.
Coding change: c.7903_7905del on transcript NM_001042492.3 (MANE Select); coding-DNA positions 7903 to 7905, 3 bases deleted (GAT; older notation c.7903_7905delGAT).
Protein change: p.Asp2635del; deletes aspartic acid 2635.
Molecular consequence: inframe deletion. On other transcripts: inframe indel (1).
Genome position (GRCh38, 1-based): chr17:31,357,302-31,357,304, GAT deleted; deleting any 3 consecutive bases within chr17:31,357,301-31,357,304 gives the same sequence; the c. name uses the placement nearest the transcript's 3' end. VCF-style (leftmost placement, unchanged base first): chr17-31357300-TTGA-T. GRCh37 (hg19) VCF-style: chr17-29684318-TTGA-T.
Other names: c.7840_7842delGAT (NM_000267.3); c.7840_7842delGAT, p.Asp2614del (NM_000267.4); short protein forms D2614del, D2635del.
Identifiers: ClinVar variation 4013712 (VCV004013712.1).
Genomic context (GRCh38, chr17:31,357,300, plus strand): 5'-TGTGTGTTTACTTTTTTGCATCTTGGCAGGCTACACTGGTAAAATATACCACAGATGAGT[TTGA>T]TCAACGAATTCTTTATGAATACTTAGCAGAGGCCAGTGTTGTGTTTCCCAAAGTCTTTCC-3'